The following is an entry in ClinVar:

ClinVar aggregate classification (germline): Benign. Review status: criteria provided, multiple submitters, no conflicts (2 of 4 stars). 9 submissions from 8 submitters: Benign (8). 1 of the submissions does not count toward it. Last evaluated 2026-02-02.

Conditions:
Joubert syndrome 24 (JBTS24). Identifiers: Orphanet 475, MedGen C4084841, MONDO:0014724, OMIM 616654.
Joubert syndrome. Also called: Familial aplasia of the vermis; JOUBERT-BOLTSHAUSER SYNDROME. Identifiers: Orphanet 475, MedGen C5979921, MONDO:0018772.
Meckel-Gruber syndrome. Also called: Dysencephalia splachnocystica; GRUBER SYNDROME; DYSENCEPHALIA SPLANCHNOCYSTICA. Identifiers: Orphanet 564, MedGen C0265215, MONDO:0018921.
Meckel syndrome, type 8. Identifiers: Orphanet 564, MedGen C3836857, MONDO:0013482, OMIM 613885.

Allele frequency attached by ClinVar (database versions not stated): gnomAD exomes 0.02200 and 0.02975; ExAC 0.03123; gnomAD 0.05532 and 0.05717; ESP Exome Variant Server 0.05782; 1000 Genomes Project 0.05950; 1000 Genomes Project 30x 0.06012; TOPMed 0.06161.
gnomAD v4.1: 40,764 of 1,610,976 alleles (2.5%); highest among the groups gnomAD compares: African/African-American, 13%; 1,189 homozygotes.

Submissions (9):

Labcorp Genetics (formerly Invitae), Labcorp
Classification: Benign for Joubert syndrome; Meckel-Gruber syndrome. Last evaluated: 2026-02-02. Review status: criteria provided, single submitter. Criteria: Invitae Variant Classification Sherloc (09022015). Collection method: clinical testing. Allele origin: germline.

Blueprint Genetics
Classification: Benign. Last evaluated: 2024-11-27. Review status: criteria provided, single submitter. Criteria: ACMG Guidelines, 2015. Collection method: clinical testing. Allele origin: germline.

Mayo Clinic Laboratories, Mayo Clinic
Classification: Benign. Last evaluated: 2023-04-03. Review status: criteria provided, single submitter. Criteria: ACMG Guidelines, 2015. Collection method: clinical testing. Allele origin: germline. Observed: 5 variant alleles.

Illumina Laboratory Services, Illumina
Classification: Benign for Joubert syndrome 24. Last evaluated: 2018-01-13. Review status: criteria provided, single submitter. Criteria: ICSL Variant Classification Criteria 13 December 2019. Collection method: clinical testing. Allele origin: germline.
Comment: This variant was observed in the ICSL laboratory as part of a predisposition screen in an ostensibly healthy population. It had not been previously curated by ICSL or reported in the Human Gene Mutation Database (HGMD: prior to June 1st, 2018), and was therefore a candidate for classification through an automated scoring system. Utilizing variant allele frequency, disease prevalence and penetrance estimates, and inheritance mode, an automated score was calculated to assess if this variant is too frequent to cause the disease. Based on the score and internal cut-off values, a variant classified as benign is not then subjected to further curation. The score for this variant resulted in a classification of benign for this disease.

Illumina Laboratory Services, Illumina
Classification: Benign for Meckel syndrome, type 8. Last evaluated: 2018-01-13. Review status: criteria provided, single submitter. Criteria: ICSL Variant Classification Criteria 13 December 2019. Collection method: clinical testing. Allele origin: germline.
Comment: the same text as in the submission from Illumina Laboratory Services, Illumina above.

GeneDx
Classification: Benign. Last evaluated: 2016-03-04. Review status: criteria provided, single submitter. Criteria: GeneDx Variant Classification (06012015). Collection method: clinical testing. Allele origin: germline. Affected: yes.
Comment: This variant is considered likely benign or benign based on one or more of the following criteria: it is a conservative change, it occurs at a poorly conserved position in the protein, it is predicted to be benign by multiple in silico algorithms, and/or has population frequency not consistent with disease.

Breakthrough Genomics
Classification: Benign. Review status: criteria provided, single submitter. Criteria: ACMG Guidelines, 2015. Collection method: not provided. Allele origin: germline. Inheritance: Autosomal recessive inheritance. Affected: yes.

PreventionGenetics, part of Exact Sciences
Classification: Benign. Review status: criteria provided, single submitter. Criteria: ACMG Guidelines, 2015. Collection method: clinical testing. Allele origin: germline.

Genetic Services Laboratory, University of Chicago
Classification: Likely benign for AllHighlyPenetrant. Review status: no assertion criteria provided. Collection method: clinical testing. Allele origin: germline. Inheritance: Autosomal recessive inheritance. Observed: 10 variant alleles. Not counted in ClinVar's aggregate classification.
Comment: Likely benign based on allele frequency in 1000 Genomes Project or ESP global frequency and its presence in a patient with a rare or unrelated disease phenotype. NOT Sanger confirmed.

NM_024809.5(TCTN2):c.873A>G (p.Ala291=)

Gene: TCTN2 (tectonic family member 2; plus strand). Cytogenetic location: 12q24.31.
Variant type: single nucleotide variant.
Coding change: c.873A>G on transcript NM_024809.5 (MANE Select); coding-DNA position 873, A replaced by G.
Protein change: p.Ala291=; no amino-acid change (alanine 291 retained).
Molecular consequence: synonymous variant.
Genome position (GRCh38, 1-based): chr12:123,688,159, A>G. VCF-style: chr12-123688159-A-G. GRCh37 (hg19) VCF-style: chr12-124172706-A-G.
Other names: p.Ala291=; c.870A>G, p.Ala290= (NM_001143850.3).
Identifiers: ClinVar variation 126292 (VCV000126292.24), dbSNP rs73418153, ClinGen allele CA150970.